The following is an entry in ClinVar:

NM_201596.3(CACNB2):c.281C>G (p.Ala94Gly)

Gene: CACNB2 (calcium voltage-gated channel auxiliary subunit beta 2; plus strand). Cytogenetic location: 10p12.31.
Variant type: single nucleotide variant.
Coding change: c.281C>G on transcript NM_201596.3 (MANE Select); coding-DNA position 281, C replaced by G.
Protein change: p.Ala94Gly; replaces alanine 94 with glycine.
Molecular consequence: missense variant.
Genome position (GRCh38, 1-based): chr10:18,401,991, C>G. VCF-style: chr10-18401991-C-G. GRCh37 (hg19) VCF-style: chr10-18690920-C-G.
Other names: c.116C>G, p.Ala39Gly (NM_000724.4, NM_001330060.2); c.197C>G, p.Ala66Gly (NM_001167945.2, NM_201571.4, NM_201572.4); c.137C>G, p.Ala46Gly (NM_001410882.1, NM_201570.3); c.119C>G, p.Ala40Gly (NM_201590.3); c.281C>G, p.Ala94Gly (NM_201593.3, NM_201597.3); short protein forms A66G, A40G, A39G, A46G, A94G.
Identifiers: ClinVar variation 1746813 (VCV001746813.4), dbSNP rs2493267918, ClinGen allele CA376219538.
Genomic context (GRCh38, chr10:18,401,991, plus strand): 5'-CAGACTCCTACACTAGCCGTCCATCCGATTCCGATGTATCTCTGGAGGAGGACCGGGAGG[C>G]AGTGCGCAGAGAAGCGGAGCGGCAGGCCCAGGCACAGTTGGAAAAAGCAAAGGTAAAATC-3'
Protein context (NP_963890.2, residues 84-104): SDVSLEEDRE[Ala94Gly]VRREAERQAQ

ClinVar aggregate classification (germline): Uncertain significance. Review status: criteria provided, multiple submitters, no conflicts (2 of 4 stars). 2 submissions from 2 submitters: Uncertain significance (2). Last evaluated 2024-03-15.

Conditions:
Cardiovascular phenotype. Identifiers: MedGen CN230736.
Brugada syndrome 4 (BRGDA4). Identifiers: Orphanet 130, MedGen C2678477, MONDO:0012743, OMIM 611876.

Submissions (2):

Labcorp Genetics (formerly Invitae), Labcorp
Classification: Uncertain significance for Brugada syndrome 4. Last evaluated: 2024-03-15. Review status: criteria provided, single submitter. Criteria: Invitae Variant Classification Sherloc (09022015). Collection method: clinical testing. Allele origin: germline.
Comment: This sequence change replaces alanine, which is neutral and non-polar, with glycine, which is neutral and non-polar, at codon 40 of the CACNB2 protein (p.Ala40Gly). This variant is not present in population databases (gnomAD no frequency). This variant has not been reported in the literature in individuals affected with CACNB2-related conditions. ClinVar contains an entry for this variant (Variation ID: 1746813). Advanced modeling of protein sequence and biophysical properties (such as structural, functional, and spatial information, amino acid conservation, physicochemical variation, residue mobility, and thermodynamic stability) performed at Invitae indicates that this missense variant is not expected to disrupt CACNB2 protein function with a negative predictive value of 80%. In summary, the available evidence is currently insufficient to determine the role of this variant in disease. Therefore, it has been classified as a Variant of Uncertain Significance.

Ambry Genetics
Classification: Uncertain significance for Cardiovascular phenotype. Last evaluated: 2021-03-03. Review status: criteria provided, single submitter. Criteria: Ambry Variant Classification Scheme 2023. Collection method: clinical testing. Allele origin: germline.
Comment: The p.A40G variant (also known as c.119C>G), located in coding exon 2 of the CACNB2 gene, results from a C to G substitution at nucleotide position 119. The alanine at codon 40 is replaced by glycine, an amino acid with similar properties. This amino acid position is well conserved in available vertebrate species. In addition, the in silico prediction for this alteration is inconclusive. Since supporting evidence is limited at this time, the clinical significance of this alteration remains unclear.